The following is an entry in ClinVar:

ClinVar aggregate classification (germline): Conflicting classifications of pathogenicity. Review status: criteria provided, conflicting classifications (1 of 4 stars). 9 submissions from 8 submitters: Uncertain significance (2); Benign (1); Likely benign (3). 3 of the submissions do not count toward it. Last evaluated 2025-09-29.

Conditions:
TECTA-related disorder. Also called: TECTA-related condition.
Autosomal recessive nonsyndromic hearing loss 21. Identifiers: Orphanet 90636, MedGen C1863655, MONDO:0011351, OMIM 603629.
Autosomal dominant nonsyndromic hearing loss 12. Also called: DEAFNESS, AUTOSOMAL DOMINANT 8. Identifiers: Orphanet 90635, MedGen C1832187, MONDO:0011102, OMIM 601543.

Allele frequency attached by ClinVar (database versions not stated): gnomAD 0.00018 and 0.00040; TOPMed 0.00020; ESP Exome Variant Server 0.00031; ExAC 0.00087; 1000 Genomes Project 0.00180; 1000 Genomes Project 30x 0.00187.
gnomAD v4.1: 838 of 1,614,196 alleles (0.052%); highest among the groups gnomAD compares: South Asian, 0.58%; 3 homozygotes.

Submissions (9):

Labcorp Genetics (formerly Invitae), Labcorp
Classification: Benign. Last evaluated: 2025-09-29. Review status: criteria provided, single submitter. Criteria: Invitae Variant Classification Sherloc (09022015). Collection method: clinical testing. Allele origin: germline.

Blueprint Genetics
Classification: Likely benign. Last evaluated: 2024-11-21. Review status: criteria provided, single submitter. Criteria: ACMG Guidelines, 2015. Collection method: clinical testing. Allele origin: germline.

GeneDx
Classification: Likely benign. Last evaluated: 2019-06-24. Review status: criteria provided, single submitter. Criteria: GeneDx Variant Classification Process June 2021. Collection method: clinical testing. Allele origin: germline. Affected: yes.
Comment: In silico analysis, which includes protein predictors and evolutionary conservation, supports that this variant does not alter protein structure/function; Has not been previously published as pathogenic or benign to our knowledge

ARUP Laboratories, Molecular Genetics and Genomics, ARUP Laboratories
Classification: Uncertain significance. Last evaluated: 2018-02-28. Review status: criteria provided, single submitter. Criteria: ARUP Molecular Germline Variant Investigation Process. Collection method: clinical testing. Allele origin: germline.
Comment: The TECTA c.3556C>T; p.Arg1186Trp variant (rs148098950, ClinVar variant ID 303016), to our knowledge, is not reported in the medical literature, gene specific variation databases, nor has it been previously identified by our laboratory. This variant is listed in the genome Aggregation Database (gnomAD) with a South Asian population frequency of 0.6% (identified on 186 out of 30,782 chromosomes, including one homozygote). The arginine at position 1186 is highly conserved, considering 11 species, and computational analyses of the effects of the p.Arg1186Trp variant on protein structure and function make conflicting predictions (SIFT: tolerated, PolyPhen-2: possibly damaging). Based on the available information, the clinical significance of the p.Arg1186Trp variant cannot be determined with certainty.

Illumina Laboratory Services, Illumina
Classification: Likely benign for Autosomal dominant nonsyndromic hearing loss 12. Last evaluated: 2018-01-13. Review status: criteria provided, single submitter. Criteria: ICSL Variant Classification Criteria 13 December 2019. Collection method: clinical testing. Allele origin: germline.
Comment: This variant was observed in the ICSL laboratory as part of a predisposition screen in an ostensibly healthy population. It had not been previously curated by ICSL or reported in the Human Gene Mutation Database (HGMD: prior to June 1st, 2018), and was therefore a candidate for classification through an automated scoring system. Utilizing variant allele frequency, disease prevalence and penetrance estimates, and inheritance mode, an automated score was calculated to assess if this variant is too frequent to cause the disease. Based on the score and internal cut-off values, a variant classified as likely benign is not then subjected to further curation. The score for this variant resulted in a classification of likely benign for this disease.

Illumina Laboratory Services, Illumina
Classification: Uncertain significance for Autosomal recessive nonsyndromic hearing loss 21. Last evaluated: 2018-01-13. Review status: criteria provided, single submitter. Criteria: ICSL Variant Classification Criteria 13 December 2019. Collection method: clinical testing. Allele origin: germline.

PreventionGenetics, part of Exact Sciences
Classification: Likely benign for TECTA-related condition. Last evaluated: 2024-08-02. Review status: no assertion criteria provided. Collection method: clinical testing. Allele origin: germline. Not counted in ClinVar's aggregate classification.
Comment: This variant is classified as likely benign based on ACMG/AMP sequence variant interpretation guidelines (Richards et al. 2015 PMID: 25741868, with internal and published modifications).

Clinical Genetics DNA and cytogenetics Diagnostics Lab, Erasmus MC, Erasmus Medical Center
Classification: Uncertain significance. Review status: no assertion criteria provided. Collection method: clinical testing. Allele origin: germline. Affected: yes. Study: VKGL Data-share Consensus. Not counted in ClinVar's aggregate classification.

Joint Genome Diagnostic Labs from Nijmegen and Maastricht, Radboudumc and MUMC+
Classification: Uncertain significance. Review status: no assertion criteria provided. Collection method: clinical testing. Allele origin: germline. Affected: yes. Study: VKGL Data-share Consensus. Not counted in ClinVar's aggregate classification.

NM_005422.4(TECTA):c.3556C>T (p.Arg1186Trp)

Genes: TBCEL-TECTA (TBCEL-TECTA readthrough; plus strand), TECTA (tectorin alpha; plus strand). Cytogenetic location: 11q23.3.
Variant type: single nucleotide variant.
Coding change: c.3556C>T on transcript NM_005422.4 (MANE Select); coding-DNA position 3556, C replaced by T.
Protein change: p.Arg1186Trp; replaces arginine 1186 with tryptophan.
Molecular consequence: missense variant.
Genome position (GRCh38, 1-based): chr11:121,145,567, C>T. VCF-style: chr11-121145567-C-T. GRCh37 (hg19) VCF-style: chr11-121016276-C-T.
Other names: c.4513C>T, p.Arg1505Trp (NM_001378761.1); short protein forms R1186W, R1505W.
Identifiers: ClinVar variation 303016 (VCV000303016.24), dbSNP rs148098950, ClinGen allele CA6327248.